The following is an entry in ClinVar:

NM_000642.3(AGL):c.413G>A (p.Gly138Glu)

Gene: AGL (amylo-alpha-1,6-glucosidase and 4-alpha-glucanotransferase; plus strand). Cytogenetic location: 1p21.2.
Variant type: single nucleotide variant.
Coding change: c.413G>A on transcript NM_000642.3 (MANE Select); coding-DNA position 413, G replaced by A.
Protein change: p.Gly138Glu; replaces glycine 138 with glutamic acid.
Molecular consequence: missense variant.
Genome position (GRCh38, 1-based): chr1:99,862,376, G>A. VCF-style: chr1-99862376-G-A. GRCh37 (hg19) VCF-style: chr1-100327932-G-A.
Other names: c.413G>A, p.Gly138Glu (NM_001425326.1, NM_001425327.1, NM_001425328.1 and 5 more transcripts); c.365G>A, p.Gly122Glu (NM_000646.3); short protein forms G138E, G122E.
Identifiers: ClinVar variation 861380 (VCV000861380.9), dbSNP rs773384152, ClinGen allele CA27561409.
Genomic context (GRCh38, chr1:99,862,376, plus strand): 5'-ATAATCATGTGCTACCCTTGGACTGTGTTACTCTTCAGACATTTTTAGCTAAGTGTTTGG[G>A]ACCTTTTGATGAATGGGAAAGCAGACTTAGGGTTGCAAAAGAATCAGGTAATGTCAGCTT-3'
Protein context (NP_000633.2, residues 128-148): TLQTFLAKCL[Gly138Glu]PFDEWESRLR

ClinVar aggregate classification (germline): Uncertain significance. Review status: criteria provided, multiple submitters, no conflicts (2 of 4 stars). 4 submissions from 4 submitters: Uncertain significance (3). 1 of the submissions does not count toward it. Last evaluated 2023-04-11.

Conditions:
Glycogen storage disease type III (GSD3). Also called: Cori disease; FORBES DISEASE. Identifiers: Orphanet 366, MedGen C0017922, MONDO:0009291, OMIM 232400.

Allele frequency attached by ClinVar (database versions not stated): TOPMed below 0.00001; gnomAD 0.00001; gnomAD exomes 0.00001.
gnomAD v4.1: 17 of 1,613,934 alleles (0.0011%); highest among the groups gnomAD compares: Non-Finnish European, 0.0014%; no homozygotes.

Submissions (4):

Genome-Nilou Lab
Classification: Uncertain significance for Glycogen storage disease type III. Last evaluated: 2023-04-11. Review status: criteria provided, single submitter. Criteria: ACMG Guidelines, 2015. Collection method: clinical testing. Allele origin: germline. Affected: no.

Women's Health and Genetics/Laboratory Corporation of America, LabCorp
Classification: Uncertain significance. Last evaluated: 2022-08-13. Review status: criteria provided, single submitter. Criteria: LabCorp Variant Classification Summary - May 2015. Collection method: clinical testing. Allele origin: germline.
Comment: Variant summary: AGL c.413G>A (p.Gly138Glu) results in a non-conservative amino acid change located in the Glycogen debranching enzyme, glucanotransferase domain (IPR032792) of the encoded protein sequence. Five of five in-silico tools predict a damaging effect of the variant on protein function. The variant was absent in 251482 control chromosomes. The available data on variant occurrences in the general population are insufficient to allow any conclusion about variant significance. c.413G>A has been reported in the literature without a second allele/genotype specification in individuals affected with Glycogen Storage Disease Type III (example, Goldstein_2010, Lu_2016). These report(s) do not provide unequivocal conclusions about association of the variant with Glycogen Storage Disease Type III. At least one publication reports experimental evidence evaluating an impact on protein function (Zhai_2016). These results showed no damaging effect of this variant on enzyme specific activity as compared to wild-type when Candida glabrata glycogen debranching enzyme (CgGDE) is expressed in an E.Coli system. As Candida glabrata GDE reportedly has 38% sequence identity to human GDE, the exact relevance of this finding in-vivo is unclear. Two clinical diagnostic laboratories have submitted clinical-significance assessments for this variant to ClinVar after 2014 without evidence for independent evaluation. All laboratories classified the variant as uncertain significance. Based on the evidence outlined above, the variant was classified as uncertain significance.

Labcorp Genetics (formerly Invitae), Labcorp
Classification: Uncertain significance for Glycogen storage disease type III. Last evaluated: 2022-05-04. Review status: criteria provided, single submitter. Criteria: Invitae Variant Classification Sherloc (09022015). Collection method: clinical testing. Allele origin: germline.
Comment: This sequence change replaces glycine, which is neutral and non-polar, with glutamic acid, which is acidic and polar, at codon 138 of the AGL protein (p.Gly138Glu). This variant is not present in population databases (gnomAD no frequency). This missense change has been observed in individual(s) with glycogen storage disease (PMID: 20648714). ClinVar contains an entry for this variant (Variation ID: 861380). Algorithms developed to predict the effect of missense changes on protein structure and function are either unavailable or do not agree on the potential impact of this missense change (SIFT: "Deleterious"; PolyPhen-2: "Probably Damaging"; Align-GVGD: "Class C0"). Experimental studies have shown that this missense change does not substantially affect AGL function (PMID: 27088557). In summary, the available evidence is currently insufficient to determine the role of this variant in disease. Therefore, it has been classified as a Variant of Uncertain Significance.

Natera, Inc.
Classification: Uncertain significance for Glycogen storage disease type III. Last evaluated: 2021-01-05. Review status: no assertion criteria provided. Collection method: clinical testing. Allele origin: germline. Not counted in ClinVar's aggregate classification.

Literature cited by the submitters: PubMed 20648714 (cited by Women's Health and Genetics/Laboratory Corporation of America, LabCorp and Labcorp Genetics (formerly Invitae), Labcorp); PubMed 26984562 (cited by Women's Health and Genetics/Laboratory Corporation of America, LabCorp); PubMed 27088557 (cited by Women's Health and Genetics/Laboratory Corporation of America, LabCorp and Labcorp Genetics (formerly Invitae), Labcorp).